The following is an entry in ClinVar:

ClinVar aggregate classification (germline): Pathogenic. Review status: criteria provided, multiple submitters, no conflicts (2 of 4 stars). 2 submissions from 2 submitters: Pathogenic (2). Last evaluated 2026-08-05.

Conditions:
Cardiovascular phenotype. Identifiers: MedGen CN230736.
Hereditary cancer-predisposing syndrome. Also called: Tumor predisposition; Neoplastic Syndromes, Hereditary; Hereditary Cancer Syndrome; Hereditary neoplastic syndrome. Identifiers: Orphanet 140162, MedGen C0027672, MeSH D009386, MONDO:0015356.
Neurofibromatosis, type 1 (NF1). Also called: NEUROFIBROMATOSIS, TYPE I, SOMATIC; VON RECKLINGHAUSEN DISEASE; Peripheral type neurofibromatosis; Neurofibromatosis, type I. Identifiers: Orphanet 636, MedGen C0027831, MONDO:0018975, OMIM 162200. Disease mechanism: loss of function.

Submissions (2):

Ambry Genetics
Classification: Pathogenic for Cardiovascular phenotype; Hereditary cancer-predisposing syndrome. Last evaluated: 2026-08-05. Review status: criteria provided, single submitter. Criteria: Ambry Variant Classification Scheme 2023. Collection method: clinical testing. Allele origin: germline.
Comment: The p.S365* pathogenic mutation (also known as c.1094C>A), located in coding exon 10 of the NF1 gene, results from a C to A substitution at nucleotide position 1094. This changes the amino acid from a serine to a stop codon within coding exon 10. This variant was reported in individual(s) with features consistent with neurofibromatosis type 1 (Ambry internal data). This variant is considered to be rare based on population cohorts in the Genome Aggregation Database (gnomAD). This alteration is expected to result in loss of function by premature protein truncation or nonsense-mediated mRNA decay. As such, this alteration is interpreted as a disease-causing mutation.

Labcorp Genetics (formerly Invitae), Labcorp
Classification: Pathogenic for Neurofibromatosis, type 1. Last evaluated: 2025-01-23. Review status: criteria provided, single submitter. Criteria: Invitae Variant Classification Sherloc (09022015). Collection method: clinical testing. Allele origin: germline.
Comment: This sequence change creates a premature translational stop signal (p.Ser365*) in the NF1 gene. It is expected to result in an absent or disrupted protein product. Loss-of-function variants in NF1 are known to be pathogenic (PMID: 10712197, 23913538). This variant is not present in population databases (gnomAD no frequency). This premature translational stop signal has been observed in individual(s) with neurofibromatosis, type 1 (PMID: 21512413). ClinVar contains an entry for this variant (Variation ID: 219467). For these reasons, this variant has been classified as Pathogenic.

Literature cited by the submitters: PubMed 10712197 (cited by Labcorp Genetics (formerly Invitae), Labcorp); PubMed 23913538 (cited by Labcorp Genetics (formerly Invitae), Labcorp); PubMed 21512413 (cited by Labcorp Genetics (formerly Invitae), Labcorp).

NM_001042492.3(NF1):c.1094C>A (p.Ser365Ter)

Gene: NF1 (neurofibromin 1; plus strand). Cytogenetic location: 17q11.2.
Variant type: single nucleotide variant.
Coding change: c.1094C>A on transcript NM_001042492.3 (MANE Select); coding-DNA position 1094, C replaced by A.
Protein change: p.Ser365Ter; replaces serine 365 with a stop codon.
Molecular consequence: nonsense.
Genome position (GRCh38, 1-based): chr17:31,201,068, C>A. VCF-style: chr17-31201068-C-A. GRCh37 (hg19) VCF-style: chr17-29528086-C-A.
Other names: c.1094C>A, p.Ser365Ter (NM_000267.4, NM_001128147.3); short protein forms S365*.
Identifiers: ClinVar variation 219467 (VCV000219467.6), dbSNP rs864622107, ClinGen allele CA349742.